The following is an entry in ClinVar:

ClinVar aggregate classification (germline): Uncertain significance (1 of 4 stars; one submission).

Conditions:
Early-infantile DEE. Also called: Early infantile epileptic encephalopathy with suppression bursts; Early infantile epileptic encephalopathy; Ohtahara syndrome. Identifiers: Orphanet 1934, MedGen C0393706, MONDO:0800491.

gnomAD v4.1: 3 of 1,612,768 alleles (0.00019%); highest among the groups gnomAD compares: East Asian, 0.0045%; no homozygotes.

Submission:

Labcorp Genetics (formerly Invitae), Labcorp
Classification: Uncertain significance for Early-infantile DEE. Last evaluated: 2026-01-06. Review status: criteria provided, single submitter. Criteria: Invitae Variant Classification Sherloc (09022015). Collection method: clinical testing. Allele origin: germline.
Comment: This sequence change replaces arginine, which is basic and polar, with lysine, which is basic and polar, at codon 1540 of the SCN1A protein (p.Arg1540Lys). This variant is present in population databases (rs758789381, gnomAD 0.006%). This variant has not been reported in the literature in individuals affected with SCN1A-related conditions. Invitae Evidence Modeling of protein sequence and biophysical properties (such as structural, functional, and spatial information, amino acid conservation, physicochemical variation, residue mobility, and thermodynamic stability) indicates that this missense variant is not expected to disrupt SCN1A protein function with a negative predictive value of 95%. In summary, the available evidence is currently insufficient to determine the role of this variant in disease. Therefore, it has been classified as a Variant of Uncertain Significance.

NM_001165963.4(SCN1A):c.4619G>A (p.Arg1540Lys)

Genes: SCN1A (sodium voltage-gated channel alpha subunit 1; minus strand), LOC102724058 (uncharacterized LOC102724058; plus strand). Cytogenetic location: 2q24.3.
Variant type: single nucleotide variant.
Coding change: c.4619G>A on transcript NM_001165963.4 (MANE Select); coding-DNA position 4619, G replaced by A.
Protein change: p.Arg1540Lys; replaces arginine 1540 with lysine.
Molecular consequence: missense variant. On other transcripts: non-coding transcript variant (1).
Genome position (GRCh38, 1-based): chr2:165,994,379, C>T on the plus strand (G>A on the coding strand, the complement: SCN1A is on the minus strand). VCF-style: chr2-165994379-C-T. GRCh37 (hg19) VCF-style: chr2-166850889-C-T.
Other names: c.4586G>A, p.Arg1529Lys (NM_001353952.2, NM_006920.6, NM_001353949.2 and 2 more transcripts); c.4583G>A, p.Arg1528Lys (NM_001353954.2, NM_001353955.2); c.4535G>A, p.Arg1512Lys (NM_001353957.2, NM_001353958.2, NM_001165964.3); c.4532G>A, p.Arg1511Lys (NM_001353960.2); c.2177G>A, p.Arg726Lys (NM_001353961.2); c.4619G>A, p.Arg1540Lys (NM_001202435.3, NM_001353948.2); short protein forms R1512K, R1529K, R1511K, R1528K, R726K, R1540K.
Identifiers: ClinVar variation 4766212 (VCV004766212.1).